The following is an entry in ClinVar:

NM_000535.7(PMS2):c.1243G>A (p.Val415Met)

Gene: PMS2 (PMS1 homolog 2, mismatch repair system component; minus strand). Cytogenetic location: 7p22.1.
Variant type: single nucleotide variant.
Coding change: c.1243G>A on transcript NM_000535.7 (MANE Select); coding-DNA position 1243, G replaced by A.
Protein change: p.Val415Met; replaces valine 415 with methionine.
Molecular consequence: missense variant. On other transcripts: non-coding transcript variant (1).
Genome position (GRCh38, 1-based): chr7:5,987,522, C>T on the plus strand (G>A on the coding strand, the complement: PMS2 is on the minus strand). VCF-style: chr7-5987522-C-T. GRCh37 (hg19) VCF-style: chr7-6027153-C-T.
Other names: p.Val415Met; c.838G>A, p.Val280Met (NM_001322003.2, NM_001322004.2, NM_001322005.2 and 1 more transcripts); c.1087G>A, p.Val363Met (NM_001322006.2); c.925G>A, p.Val309Met (NM_001322007.2, NM_001322008.2); c.682G>A, p.Val228Met (NM_001322010.2); c.310G>A, p.Val104Met (NM_001322011.2, NM_001322012.2); c.670G>A, p.Val224Met (NM_001322013.2); c.1243G>A, p.Val415Met (NM_001322014.2); and 1 more; short protein forms V415M, V224M, V312M, V363M, V228M, V104M, V280M, V309M.
Identifiers: ClinVar variation 142561 (VCV000142561.72), dbSNP rs138387687, ClinGen allele CA009419.

ClinVar aggregate classification (germline): Conflicting classifications of pathogenicity. Review status: criteria provided, conflicting classifications (1 of 4 stars). 20 submissions from 20 submitters: Uncertain significance (4); Benign (3); Likely benign (9). 4 of the submissions do not count toward it. Last evaluated 2026-09-01.

Conditions:
Hereditary nonpolyposis colon cancer (HNPCC). Also called: Hereditary Nonpolyposis Colorectal Cancer Syndrome; Hereditary nonpolyposis colorectal cancer; Familial nonpolyposis colon cancer. Identifiers: Orphanet 443909, MedGen C1333990, MONDO:0018630. Disease mechanism: loss of function.
Hereditary nonpolyposis colorectal neoplasms. Identifiers: MedGen C0009405, MeSH D003123.
PMS2-related disorder. Also called: PMS2-related condition.
Hereditary cancer-predisposing syndrome. Also called: Neoplastic Syndromes, Hereditary; Tumor predisposition; Hereditary neoplastic syndrome; Hereditary Cancer Syndrome. Identifiers: Orphanet 140162, MedGen C0027672, MeSH D009386, MONDO:0015356.
Mismatch repair cancer syndrome 1 (MMRCS1). Also called: CHILDHOOD CANCER SYNDROME; MISMATCH REPAIR DEFICIENCY; MMR DEFICIENCY; BRAIN TUMOR-POLYPOSIS SYNDROME 1; BTP1 SYNDROME. Identifiers: Orphanet 252202, MedGen C5399763, MONDO:0010159, OMIM 276300. Disease mechanism: loss of function.
Lynch syndrome 4 (LYNCH4). Also called: Colorectal cancer, hereditary nonpolyposis, type 4; Hereditary non-polyposis colorectal cancer, type 4. Identifiers: Orphanet 144, MedGen C1838333, MONDO:0013699, OMIM 614337. Disease mechanism: loss of function.
Hereditary breast ovarian cancer syndrome. Also called: Breast and ovarian cancer; BRCA1- and BRCA2-Associated Hereditary Breast and Ovarian Cancer; Hereditary breast and/or ovarian cancer syndrome; Hereditary breast and ovarian cancer syndrome; Hereditary breast and ovarian cancer; Hereditary breast and ovarian cancer syndrome (HBOC). Identifiers: Orphanet 145, MedGen C0677776, MeSH D061325, MONDO:0003582. Disease mechanism: loss of function.
Endometrial carcinoma. Also called: Endometrial carcinoma, somatic. Identifiers: MedGen C0476089, MONDO:0002447, OMIM 608089, HP:0012114.

Allele frequency attached by ClinVar (database versions not stated): ESP Exome Variant Server 0.00015; gnomAD 0.00019; TOPMed 0.00019; 1000 Genomes Project 0.00020; 1000 Genomes Project 30x 0.00031.

Submissions 1 to 14 of 20:

CeGaT Center for Human Genetics Tuebingen
Classification: Likely benign. Last evaluated: 2026-09-01. Review status: criteria provided, single submitter. Criteria: CeGaT Center For Human Genetics Tuebingen Variant Classification Criteria Version 2. Collection method: clinical testing. Allele origin: germline. Affected: yes. Observed: 5 variant alleles.
Comment: PMS2: BP4, BS1:Supporting

Women's Health and Genetics/Laboratory Corporation of America, LabCorp
Classification: Likely benign. Last evaluated: 2026-03-10. Review status: criteria provided, single submitter. Criteria: LabCorp Variant Classification Summary - May 2015. Collection method: clinical testing. Allele origin: germline.
Comment: Variant summary: PMS2 c.1243G>A (p.Val415Met) results in a conservative amino acid change in the encoded protein sequence. Algorithms developed to predict the effect of missense changes on protein structure and function all suggest that this variant is likely to be tolerated. The variant allele was found at a frequency of 0.00016 in 251130 control chromosomes. The observed variant frequency exceeds the estimated maximal expected allele frequency for disease-causing variants in PMS2. c.1243G>A has been observed in individual(s) affected with Hereditary Nonpolyposis Colorectal Cancer. These report(s) do not provide unequivocal conclusions about association of the variant with Hereditary Nonpolyposis Colorectal Cancer. To our knowledge, no experimental evidence demonstrating an impact on protein function has been reported. ClinVar contains an entry for this variant (Variation ID: 142561). Based on the evidence outlined above, the variant was classified as likely benign.

Labcorp Genetics (formerly Invitae), Labcorp
Classification: Likely benign for Hereditary nonpolyposis colorectal neoplasms. Last evaluated: 2026-01-28. Review status: criteria provided, single submitter. Criteria: Invitae Variant Classification Sherloc (09022015). Collection method: clinical testing. Allele origin: germline.

Center for Genomic Medicine, Rigshospitalet, Copenhagen University Hospital
Classification: Likely benign. Last evaluated: 2025-12-29. Review status: criteria provided, single submitter. Criteria: ACMG Guidelines, 2015. Collection method: clinical testing. Allele origin: germline.
Comment: Classification criteria: BS1, BP4

Mayo Clinic Laboratories, Mayo Clinic
Classification: Likely benign. Last evaluated: 2025-10-12. Review status: criteria provided, single submitter. Criteria: ACMG Guidelines, 2015. Collection method: clinical testing. Allele origin: germline. Observed: 1 variant allele.
Comment: BS1, BP4

Spanish MMR Variant Interpretation Working Group
Classification: Uncertain significance for Hereditary cancer-predisposing syndrome. Last evaluated: 2025-05-05. Review status: criteria provided, single submitter. Criteria: ClinGen CRC ACMG Specifications PMS2 V1.0.0. Collection method: clinical testing. Allele origin: germline. Affected: yes.
Comment: The PMS2 variant c.1243G>A replaces valine with methionine at codon 415 of the PMS2 protein, p.(Val415Met). The valine residue is weakly conserved, and there is a small physicochemical difference between valine and methionine. It has an allele frequency of 0.016% in the gnomAD v4.1.0 database, with a maximum credible allele frequency of 0.023% (no criterion is met; the allele frequency data may be inaccurate due to possible PMS2CL pseudogene interference). It is a missense variant with a MAPP+PolyPhen-2 prior probability of pathogenicity of <0.11, and SpliceAI, SSF, MaxEnt, NNSPLICE, and GeneSplicer algorithms suggest no impact on splicing (BP4). There are no other described PAT/LPAT variants located at the same residue. To our current knowledge, no functional assays have been reported for this variant. Based on the available evidence, this variant is classified as a Variant of Uncertain Significance (Class 3).

PreventionGenetics, part of Exact Sciences
Classification: Likely benign for PMS2-related condition. Last evaluated: 2025-04-12. Review status: criteria provided, single submitter. Criteria: ACMG Guidelines, 2015. Collection method: clinical testing. Allele origin: germline.
Comment: This variant is classified as likely benign based on ACMG/AMP sequence variant interpretation guidelines (Richards et al. 2015 PMID: 25741868, with internal and published modifications).

Color Diagnostics, LLC DBA Color Health
Classification: Benign for Hereditary cancer-predisposing syndrome. Last evaluated: 2024-10-16. Review status: criteria provided, single submitter. Criteria: ACMG Guidelines, 2015. Collection method: clinical testing. Allele origin: germline.

Blueprint Genetics
Classification: Likely benign. Last evaluated: 2023-11-03. Review status: criteria provided, single submitter. Criteria: ACMG Guidelines, 2015. Collection method: clinical testing. Allele origin: germline.

Mendelics
Classification: Benign for Hereditary nonpolyposis colon cancer. Last evaluated: 2023-08-22. Review status: criteria provided, single submitter. Criteria: Mendelics Assertion Criteria 2019. Collection method: clinical testing. Allele origin: germline.

Quest Diagnostics Nichols Institute San Juan Capistrano
Classification: Benign. Last evaluated: 2022-09-08. Review status: criteria provided, single submitter. Criteria: Quest Diagnostics criteria. Collection method: clinical testing. Allele origin: unknown.

St. Jude Molecular Pathology, St. Jude Children's Research Hospital
Classification: Uncertain significance for Lynch syndrome 4. Last evaluated: 2022-08-30. Review status: criteria provided, single submitter. Criteria: St. Jude Assertion Criteria 2020. Collection method: clinical testing. Allele origin: germline.
Comment: The PMS2 c.1243G>A (p.Val415Met) missense change has a maximum subpopulation frequency of 0.028% in gnomAD v2.1.1. The in silico tool REVEL predicts a benign effect on protein function, but to our knowledge this prediction has not been confirmed by functional studies. This variant has been reported in at least one individual with colorectal cancer and/or Lynch syndrome (PMID: 31433215). In summary, the evidence currently available is insufficient to determine the clinical significance of this variant. It has therefore been classified as of uncertain significance.

Sema4
Classification: Uncertain significance for Hereditary cancer-predisposing syndrome. Last evaluated: 2022-01-05. Review status: criteria provided, single submitter. Criteria: Sema4 Curation Guidelines. Collection method: curation. Allele origin: germline.
Comment: The PMS2 c.1243G>A (p.V415M) variant has been reported in heterozygosity in at least 3 individuals with colon cancer, prostate cancer, or pancreatic ductal adenocarcinoma (PMID: 31327751, 31433215, 28528518, 27878467, 26483394). It was observed in 10/35436 chromosomes of the Latino subpopulation, with no homozygotes, in the large and broad cohorts of the Genome Aggregation Database (PMID: 32461654). The variant has been reported in ClinVar (Variation ID 142561). Functional studies have not been performed, and in silico tool predictions of the variant's effect on protein function are inconclusive. Based on the current evidence available, this variant is interpreted as a variant of uncertain significance.

GeneDx
Classification: Likely benign. Last evaluated: 2021-06-03. Review status: criteria provided, single submitter. Criteria: GeneDx Variant Classification Process June 2021. Collection method: clinical testing. Allele origin: germline. Affected: yes.
Comment: In silico analysis supports that this missense variant does not alter protein structure/function; Observed in individuals with personal or family history of breast, ovarian, pancreatic, or other cancer (Lu 2015, Zhang 2015, Hu 2016, Yadav 2016, Cock-Rada 2017); This variant is associated with the following publications: (PMID: 22941189, 27846281, 26689913, 26483394, 26580448, 27878467, 28528518, 31433215, 31391288, 31422574, 31327751, 25567908)